The following is an entry in ClinVar:

NM_001366385.1(CARD14):c.536G>A (p.Arg179His)

Gene: CARD14 (caspase recruitment domain family member 14; plus strand). Cytogenetic location: 17q25.3.
Variant type: single nucleotide variant.
Coding change: c.536G>A on transcript NM_001366385.1 (MANE Select); coding-DNA position 536, G replaced by A.
Protein change: p.Arg179His; replaces arginine 179 with histidine.
Molecular consequence: missense variant. On other transcripts: non-coding transcript variant (1).
Genome position (GRCh38, 1-based): chr17:80,184,099, G>A. VCF-style: chr17-80184099-G-A. GRCh37 (hg19) VCF-style: chr17-78157898-G-A.
Other names: c.536G>A, p.Arg179His (NM_001257970.1, NM_024110.4); short protein forms R179H.
Identifiers: ClinVar variation 68783 (VCV000068783.15), dbSNP rs199517469, ClinGen allele CA219916.

ClinVar aggregate classification (germline): Uncertain significance. Review status: criteria provided, multiple submitters, no conflicts (2 of 4 stars). 6 submissions from 6 submitters: Uncertain significance (5). 1 of the submissions does not count toward it. Last evaluated 2026-01-22.

Conditions:
Autoinflammatory syndrome. Identifiers: Orphanet 93665, MedGen C3890737, MONDO:0019751.
CARD14-related disorder. Also called: CARD14-related condition.
Pityriasis rubra pilaris (PRP). Also called: Pityriasis rubra pilaris--familial type. Identifiers: Orphanet 2897, MedGen C0032027, MONDO:0100017, OMIM 173200, MONDO:0008251.
Psoriasis 2. Identifiers: MedGen C1864497, MONDO:0011269, OMIM 602723.

Allele frequency attached by ClinVar (database versions not stated): gnomAD 0.00025 and 0.00027; ExAC 0.00027; ESP Exome Variant Server 0.00015; TOPMed 0.00021.
gnomAD v4.1: 465 of 1,580,436 alleles (0.029%); highest among the groups gnomAD compares: Non-Finnish European, 0.038%; no homozygotes.

Submissions (6):

Labcorp Genetics (formerly Invitae), Labcorp
Classification: Uncertain significance for Pityriasis rubra pilaris; Psoriasis 2. Last evaluated: 2026-01-22. Review status: criteria provided, single submitter. Criteria: Invitae Variant Classification Sherloc (09022015). Collection method: clinical testing. Allele origin: germline.
Comment: This sequence change replaces arginine, which is basic and polar, with histidine, which is basic and polar, at codon 179 of the CARD14 protein (p.Arg179His). The frequency data for this variant in the population databases is considered unreliable, as metrics indicate poor data quality at this position in the gnomAD database. This missense change has been observed in individual(s) with psoriasis (PMID: 22521419, 25989471, 28887889). ClinVar contains an entry for this variant (Variation ID: 68783). Invitae Evidence Modeling of protein sequence and biophysical properties (such as structural, functional, and spatial information, amino acid conservation, physicochemical variation, residue mobility, and thermodynamic stability) has been performed for this missense variant. However, the output from this modeling did not meet the statistical confidence thresholds required to predict the impact of this variant on CARD14 protein function. Experimental studies are conflicting or provide insufficient evidence to determine the effect of this variant on CARD14 function (PMID: 22521419). In summary, the available evidence is currently insufficient to determine the role of this variant in disease. Therefore, it has been classified as a Variant of Uncertain Significance.

PreventionGenetics, part of Exact Sciences
Classification: Uncertain significance for CARD14-related condition. Last evaluated: 2025-06-06. Review status: criteria provided, single submitter. Criteria: ACMG Guidelines, 2015. Collection method: clinical testing. Allele origin: germline.
Comment: The CARD14 c.536G>A variant is predicted to result in the amino acid substitution p.Arg179His. This variant has been reported in individuals with generalized pustular psoriasis, but is also present in controls (Jordan et al. 2012. PubMed ID: 22521419; Mössner et al. 2018. PubMed ID: 28887889). Experimental studies suggest this variant may have a mild effect on protein function ( Jordan et al. 2012. PubMed ID: 22521419). This variant is reported in 0.037% of alleles in individuals of European (Non-Finnish) descent in gnomAD,  which is likely too frequent to be a primary cause of disease. Although we suspect that this variant may be benign, at this time, the clinical significance of this variant is uncertain due to the absence of conclusive functional and genetic evidence.

Mayo Clinic Laboratories, Mayo Clinic
Classification: Uncertain significance. Last evaluated: 2022-08-23. Review status: criteria provided, single submitter. Criteria: ACMG Guidelines, 2015. Collection method: clinical testing. Allele origin: germline. Observed: 1 variant allele.
Comment: BP4

Fulgent Genetics
Classification: Uncertain significance for Pityriasis rubra pilaris; Psoriasis 2. Last evaluated: 2022-04-11. Review status: criteria provided, single submitter. Criteria: ACMG Guidelines, 2015. Collection method: clinical testing. Allele origin: unknown.

Genome Diagnostics Laboratory, The Hospital for Sick Children
Classification: Uncertain significance for Autoinflammatory syndrome. Last evaluated: 2018-09-01. Review status: criteria provided, single submitter. Criteria: ACMG Guidelines, 2015. Collection method: clinical testing. Allele origin: germline. Affected: yes.

UniProtKB/Swiss-Prot
No classification provided. Review status: no classification provided. Collection method: not provided. Allele origin: not provided. Not counted in ClinVar's aggregate classification.

Literature cited by the submitters: PubMed 22521419 (cited by Labcorp Genetics (formerly Invitae), Labcorp and Mayo Clinic Laboratories, Mayo Clinic); PubMed 25989471 (cited by Labcorp Genetics (formerly Invitae), Labcorp and Mayo Clinic Laboratories, Mayo Clinic); PubMed 28887889 (cited by Labcorp Genetics (formerly Invitae), Labcorp and Mayo Clinic Laboratories, Mayo Clinic).